The following is an entry in ClinVar:

NM_005530.3(IDH3A):c.1082G>A (p.Arg361Gln)

Genes: ACSBG1 (acyl-CoA synthetase bubblegum family member 1; minus strand), IDH3A (isocitrate dehydrogenase (NAD(+)) 3 catalytic subunit alpha; plus strand). Cytogenetic location: 15q25.1.
Variant type: single nucleotide variant.
Coding change: c.1082G>A on transcript NM_005530.3 (MANE Select); coding-DNA position 1082, G replaced by A.
Protein change: p.Arg361Gln; replaces arginine 361 with glutamine.
Molecular consequence: missense variant. On other transcripts: 3 prime UTR variant (2).
Genome position (GRCh38, 1-based): chr15:78,168,986, G>A. VCF-style: chr15-78168986-G-A. GRCh37 (hg19) VCF-style: chr15-78461328-G-A.
Other names: c.*2458C>T (NM_001199377.2, NM_015162.5); short protein forms R361Q.
Identifiers: ClinVar variation 1484624 (VCV001484624.9), dbSNP rs1595874578, ClinGen allele CA393547375.
Genomic context (GRCh38, chr15:78,168,986, plus strand): 5'-TGACAAAAGATTTGGGAGGCAATGCAAAATGCTCAGACTTCACAGAGGAAATCTGTCGCC[G>A]AGTAAAAGATTTAGATTAACACTTCTACAACTGGCATTTACATCAGTCACTCTAAATGGA-3'
Protein context (NP_005521.1, residues 351-366): CSDFTEEICR[Arg361Gln]VKDLD

ClinVar aggregate classification (germline): Uncertain significance. Review status: criteria provided, multiple submitters, no conflicts (2 of 4 stars). 2 submissions from 2 submitters: Uncertain significance (2). Last evaluated 2024-02-24.

gnomAD v4.1: 3 of 1,598,360 alleles (0.00019%); highest among the groups gnomAD compares: East Asian, 0.0022%; no homozygotes.

Submissions (2):

Labcorp Genetics (formerly Invitae), Labcorp
Classification: Uncertain significance. Last evaluated: 2024-02-24. Review status: criteria provided, single submitter. Criteria: Invitae Variant Classification Sherloc (09022015). Collection method: clinical testing. Allele origin: germline.
Comment: This sequence change replaces arginine, which is basic and polar, with glutamine, which is neutral and polar, at codon 361 of the IDH3A protein (p.Arg361Gln). This variant is not present in population databases (gnomAD no frequency). This variant has not been reported in the literature in individuals affected with IDH3A-related conditions. ClinVar contains an entry for this variant (Variation ID: 1484624). Advanced modeling of protein sequence and biophysical properties (such as structural, functional, and spatial information, amino acid conservation, physicochemical variation, residue mobility, and thermodynamic stability) performed at Invitae indicates that this missense variant is not expected to disrupt IDH3A protein function with a negative predictive value of 80%. In summary, the available evidence is currently insufficient to determine the role of this variant in disease. Therefore, it has been classified as a Variant of Uncertain Significance.

Ambry Genetics
Classification: Uncertain significance. Last evaluated: 2023-10-05. Review status: criteria provided, single submitter. Criteria: Ambry Variant Classification Scheme 2023. Collection method: clinical testing. Allele origin: germline.